The following is an entry in ClinVar:

NM_198465.4(NRK):c.4375C>T (p.Gln1459Ter)

Gene: NRK (Nik related kinase; plus strand). Cytogenetic location: Xq22.3.
Variant type: single nucleotide variant.
Coding change: c.4375C>T on transcript NM_198465.4 (MANE Select); coding-DNA position 4375, C replaced by T.
Protein change: p.Gln1459Ter; replaces glutamine 1459 with a stop codon.
Molecular consequence: nonsense.
Genome position (GRCh38, 1-based): chrX:105,949,596, C>T. VCF-style: chrX-105949596-C-T. GRCh37 (hg19) VCF-style: chrX-105193588-C-T.
Other names: short protein forms Q1459*.
Identifiers: ClinVar variation 3338230 (VCV003338230.2).

ClinVar aggregate classification (germline): Uncertain significance (0 of 4 stars; one submission).

Conditions:
Autism (AUTS). Also called: Autistic disorder of childhood onset; Autistic disorder. Identifiers: MedGen C0004352, MeSH D001321, MONDO:0005260, OMIM 209850, HP:0000717.

Submission:

Centre for Addiction & Mental Health
Classification: Uncertain significance for Autism. Review status: no assertion criteria provided. Collection method: research. Allele origin: maternal. Affected: yes. Observed: 1 hemizygote. Segregation with disease observed.
Comment: Gene not previously associated with disease; independent supportng evidence needed